The following is an entry in ClinVar:

NM_003000.3(SDHB):c.719T>C (p.Leu240Pro)

Gene: SDHB (succinate dehydrogenase complex iron sulfur subunit B; minus strand). Cytogenetic location: 1p36.13.
Variant type: single nucleotide variant.
Coding change: c.719T>C on transcript NM_003000.3 (MANE Select); coding-DNA position 719, T replaced by C.
Protein change: p.Leu240Pro; replaces leucine 240 with proline.
Molecular consequence: missense variant.
Genome position (GRCh38, 1-based): chr1:17,022,654, A>G on the plus strand (T>C on the coding strand, the complement: SDHB is on the minus strand). VCF-style: chr1-17022654-A-G. GRCh37 (hg19) VCF-style: chr1-17349149-A-G.
Other names: short protein forms L240P.
Identifiers: ClinVar variation 428914 (VCV000428914.10), dbSNP rs1131691046, ClinGen allele CA338270230.

ClinVar aggregate classification (germline): Uncertain significance. Review status: criteria provided, multiple submitters, no conflicts (2 of 4 stars). 3 submissions from 3 submitters: Uncertain significance (3). Last evaluated 2024-05-29.

Conditions:
Carney-Stratakis syndrome. Also called: PARAGANGLIOMA AND GASTROINTESTINAL STROMAL TUMOR. Identifiers: Orphanet 97286, MedGen C1847319, MONDO:0011740, OMIM 606864.
Pheochromocytoma/paraganglioma syndrome 4. Also called: PARAGANGLIOMA, FAMILIAL MALIGNANT; PARAGANGLIOMAS, HEREDITARY EXTRAADRENAL; PHEOCHROMOCYTOMA, FAMILIAL EXTRAADRENAL; Paragangliomas 4; CAROTID BODY TUMORS AND MULTIPLE EXTRAADRENAL PHEOCHROMOCYTOMAS; SDHB-Related Hereditary Paraganglioma-Pheochromocytoma Syndrome (Paragangliomas 4). Identifiers: Orphanet 29072, MedGen C1861848, MONDO:0007273, OMIM 115310.
Gastrointestinal stromal tumor. Also called: Gastrointestinal stroma tumor; Gastrointestinal stromal tumor, somatic. Identifiers: Orphanet 44890, MedGen C0238198, MeSH D046152, MONDO:0011719, OMIM 606764, HP:0100723.
Mitochondrial complex 2 deficiency, nuclear type 4. Also called: MITOCHONDRIAL COMPLEX II DEFICIENCY, NUCLEAR TYPE 4. Identifiers: MedGen C5543176, MONDO:0030974, OMIM 619224.
Pheochromocytoma. Also called: MAX-Related Hereditary Paraganglioma-Pheochromocytoma Syndrome. Identifiers: Orphanet 29072, MedGen C0031511, MONDO:0008233, OMIM 171300, HP:0002666.
Hereditary cancer-predisposing syndrome. Also called: Neoplastic Syndromes, Hereditary; Hereditary Cancer Syndrome; Hereditary neoplastic syndrome; Tumor predisposition. Identifiers: Orphanet 140162, MedGen C0027672, MeSH D009386, MONDO:0015356.

Allele frequency attached by ClinVar (database versions not stated): gnomAD exomes below 0.00001; gnomAD 0.00001.
gnomAD v4.1: 2 of 1,613,970 alleles (0.00012%); highest among the groups gnomAD compares: East Asian, 0.0022%; no homozygotes.

Submissions (3):

Fulgent Genetics
Classification: Uncertain significance for Pheochromocytoma/paraganglioma syndrome 4; Gastrointestinal stromal tumor; Carney-Stratakis syndrome; Mitochondrial complex 2 deficiency, nuclear type 4. Last evaluated: 2024-05-29. Review status: criteria provided, single submitter. Criteria: ACMG Guidelines, 2015. Collection method: clinical testing. Allele origin: germline.

Labcorp Genetics (formerly Invitae), Labcorp
Classification: Uncertain significance for Gastrointestinal stromal tumor; Pheochromocytoma/paraganglioma syndrome 4; Pheochromocytoma. Last evaluated: 2024-05-20. Review status: criteria provided, single submitter. Criteria: Invitae Variant Classification Sherloc (09022015). Collection method: clinical testing. Allele origin: germline.
Comment: This sequence change replaces leucine, which is neutral and non-polar, with proline, which is neutral and non-polar, at codon 240 of the SDHB protein (p.Leu240Pro). This variant is present in population databases (no rsID available, gnomAD 0.01%). This variant has not been reported in the literature in individuals affected with SDHB-related conditions. ClinVar contains an entry for this variant (Variation ID: 428914). Advanced modeling of protein sequence and biophysical properties (such as structural, functional, and spatial information, amino acid conservation, physicochemical variation, residue mobility, and thermodynamic stability) performed at Invitae indicates that this missense variant is expected to disrupt SDHB protein function with a positive predictive value of 80%. In summary, the available evidence is currently insufficient to determine the role of this variant in disease. Therefore, it has been classified as a Variant of Uncertain Significance.

Ambry Genetics
Classification: Uncertain significance for Hereditary cancer-predisposing syndrome. Last evaluated: 2011-10-10. Review status: criteria provided, single submitter. Criteria: Ambry Autosomal Dominant and X-Linked criteria (10/2015). Collection method: clinical testing. Allele origin: germline. Observed: 1 variant allele.
Comment: There is insufficient or conflicting evidence for classification of this alteration.